The following is an entry in ClinVar:

ClinVar aggregate classification (germline): Likely benign (0 of 4 stars; one submission).

Conditions:
FREM1-related disorder. Also called: FREM1-Related Disorders; FREM1-related condition.

Allele frequency attached by ClinVar (database versions not stated): gnomAD exomes 0.00001; ExAC 0.00002; TOPMed 0.00003; gnomAD 0.00006; ESP Exome Variant Server 0.00016; 1000 Genomes Project 0.00020; 1000 Genomes Project 30x 0.00031.
gnomAD v4.1: 23 of 1,613,882 alleles (0.0014%); highest among the groups gnomAD compares: African/African-American, 0.025%; no homozygotes.

Submission:

PreventionGenetics, part of Exact Sciences
Classification: Likely benign for FREM1-related condition. Last evaluated: 2020-10-21. Review status: no assertion criteria provided. Collection method: clinical testing. Allele origin: germline.
Comment: This variant is classified as likely benign based on ACMG/AMP sequence variant interpretation guidelines (Richards et al. 2015 PMID: 25741868, with internal and published modifications).

NM_001379081.2(FREM1):c.6210G>A (p.Glu2070=)

Gene: FREM1 (FRAS1 related extracellular matrix 1; minus strand). Cytogenetic location: 9p22.3.
Variant type: single nucleotide variant.
Coding change: c.6210G>A on transcript NM_001379081.2 (MANE Select); coding-DNA position 6210, G replaced by A.
Protein change: p.Glu2070=; no amino-acid change (glutamic acid 2070 retained).
Molecular consequence: synonymous variant. On other transcripts: non-coding transcript variant (3), intron variant (1).
Genome position (GRCh38, 1-based): chr9:14,746,397, C>T on the plus strand (G>A on the coding strand, the complement: FREM1 is on the minus strand). VCF-style: chr9-14746397-C-T. GRCh37 (hg19) VCF-style: chr9-14746395-C-T.
Other names: c.1818G>A, p.Glu606= (NM_001177704.3, NM_001370061.2); c.6210G>A, p.Glu2070= (NM_144966.7); c.1596+526G>A (NM_001370058.2).
Identifiers: ClinVar variation 3036318 (VCV003036318.2), dbSNP rs142174638, ClinGen allele CA4989502.